The following is an entry in ClinVar:

NM_000090.4(COL3A1):c.662T>C (p.Ile221Thr)

Gene: COL3A1 (collagen type III alpha 1 chain; plus strand). Cytogenetic location: 2q32.2.
Variant type: single nucleotide variant.
Coding change: c.662T>C on transcript NM_000090.4 (MANE Select); coding-DNA position 662, T replaced by C.
Protein change: p.Ile221Thr; replaces isoleucine 221 with threonine.
Molecular consequence: missense variant.
Genome position (GRCh38, 1-based): chr2:188,989,421, T>C. VCF-style: chr2-188989421-T-C. GRCh37 (hg19) VCF-style: chr2-189854147-T-C.
Other names: short protein forms I221T.
Identifiers: ClinVar variation 2088043 (VCV002088043.4), dbSNP rs1292374680, ClinGen allele CA349848810.
Genomic context (GRCh38, chr2:188,989,421, plus strand): 5'-ACAAATCTATTCATTTTTTATTTCCTTATTTTCAGGGCCCTCCAGGACCTCCTGGTGCTA[T>C]AGGTCCATCTGGTCCTGCTGGAAAAGATGTAAGTTTTTAAAACTTAAATAAGAATACAGC-3'
Protein context (NP_000081.2, residues 211-231): PSGPPGPPGA[Ile221Thr]GPSGPAGKDG

ClinVar aggregate classification (germline): Uncertain significance (1 of 4 stars; one submission).

Conditions:
Ehlers-Danlos syndrome, type 4 (EDSVASC). Also called: Ehlers-Danlos syndrome vascular type; Ehlers Danlos syndrome, ecchymotic type; Ehlers Danlos syndrome, arterial type; Ehlers Danlos syndrome, Sack-Barabas type; Ehlers-Danlos Syndrome Type IV. Identifiers: Orphanet 286, MedGen C0268338, MONDO:0017314, OMIM 130050.

Allele frequency attached by ClinVar (database versions not stated): gnomAD exomes below 0.00001.
gnomAD v4.1: 1 of 1,607,174 alleles (0.000062%); highest among the groups gnomAD compares: Non-Finnish European, 0.000085%; no homozygotes.

Submission:

Labcorp Genetics (formerly Invitae), Labcorp
Classification: Uncertain significance for Ehlers-Danlos syndrome, type 4. Last evaluated: 2022-03-12. Review status: criteria provided, single submitter. Criteria: Invitae Variant Classification Sherloc (09022015). Collection method: clinical testing. Allele origin: germline.
Comment: This variant is present in population databases (no rsID available, gnomAD 0.0009%). In summary, the available evidence is currently insufficient to determine the role of this variant in disease. Therefore, it has been classified as a Variant of Uncertain Significance. Advanced modeling of protein sequence and biophysical properties (such as structural, functional, and spatial information, amino acid conservation, physicochemical variation, residue mobility, and thermodynamic stability) performed at Invitae indicates that this missense variant is not expected to disrupt COL3A1 protein function. This variant has not been reported in the literature in individuals affected with COL3A1-related conditions. This sequence change replaces isoleucine, which is neutral and non-polar, with threonine, which is neutral and polar, at codon 221 of the COL3A1 protein (p.Ile221Thr).